The following is an entry in ClinVar:

NM_152594.3(SPRED1):c.932T>C (p.Phe311Ser)

Gene: SPRED1 (sprouty related EVH1 domain containing 1; plus strand). Cytogenetic location: 15q14.
Variant type: single nucleotide variant.
Coding change: c.932T>C on transcript NM_152594.3 (MANE Select); coding-DNA position 932, T replaced by C.
Protein change: p.Phe311Ser; replaces phenylalanine 311 with serine.
Molecular consequence: missense variant.
Genome position (GRCh38, 1-based): chr15:38,351,261, T>C. VCF-style: chr15-38351261-T-C. GRCh37 (hg19) VCF-style: chr15-38643462-T-C.
Other names: short protein forms F311S.
Identifiers: ClinVar variation 4865040 (VCV004865040.1).

ClinVar aggregate classification (germline): Uncertain significance (1 of 4 stars; one submission).

Conditions:
Cardiovascular phenotype. Identifiers: MedGen CN230736.

Submission:

Ambry Genetics
Classification: Uncertain significance for Cardiovascular phenotype. Last evaluated: 2026-05-24. Review status: criteria provided, single submitter. Criteria: Ambry Variant Classification Scheme 2023. Collection method: clinical testing. Allele origin: germline.
Comment: The p.F311S variant (also known as c.932T>C), located in coding exon 7 of the SPRED1 gene, results from a T to C substitution at nucleotide position 932. The phenylalanine at codon 311 is replaced by serine, an amino acid with highly dissimilar properties. This amino acid position is conserved. In addition, the in silico prediction for this alteration is inconclusive. Based on the available evidence, the clinical significance of this variant remains unclear.